The following is an entry in ClinVar:

ClinVar aggregate classification (germline): Pathogenic (1 of 4 stars; one submission).

Conditions:
Hereditary cancer-predisposing syndrome. Also called: Hereditary Cancer Syndrome; Hereditary neoplastic syndrome; Neoplastic Syndromes, Hereditary; Tumor predisposition. Identifiers: Orphanet 140162, MedGen C0027672, MeSH D009386, MONDO:0015356.

Submission:

Hereditary Cancer Laboratory, Hospital Universitario 12 de Octubre
Classification: Pathogenic for Hereditary cancer-predisposing syndrome. Last evaluated: 2024-09-12. Review status: criteria provided, single submitter. Criteria: ACMG Guidelines, 2015. Collection method: clinical testing. Allele origin: germline.
Comment: PVS1+PM2

NM_000179.3(MSH6):c.3439-1G>A

Gene: MSH6 (mutS homolog 6; plus strand). Cytogenetic location: 2p16.3.
Variant type: single nucleotide variant.
Coding change: c.3439-1G>A on transcript NM_000179.3 (MANE Select); the canonical splice acceptor site of the intron before coding-DNA position 3439, G replaced by A.
Molecular consequence: splice acceptor variant.
Genome position (GRCh38, 1-based): chr2:47,804,909, G>A. VCF-style: chr2-47804909-G-A. GRCh37 (hg19) VCF-style: chr2-48032048-G-A.
Other names: c.3439-1G>A (NM_001406808.1, NM_001406800.1, NM_001406809.1 and 1 more transcripts); c.2575-1G>A (NM_001406803.1); c.1873-1G>A (NM_001406817.1); c.2533-1G>A (NM_001406812.1, NM_001281493.2, NM_001406811.1 and 6 more transcripts); c.3265-1G>A (NM_001406798.1); c.1384-1G>A (NM_001407362.1); c.2914-1G>A (NM_001406799.1, NM_001406807.1, NM_001406806.1); c.3142-1G>A (NM_001406805.1, NM_001406797.1, NM_001406801.1 and 10 more transcripts); and 7 more.
Identifiers: ClinVar variation 3906160 (VCV003906160.1).
Genomic context (GRCh38, chr2:47,804,909, plus strand): 5'-ACAAAAGTTTATGAAACTGTTACTACCAGTCATAAAAGACCTTTTCCTCCCTCATTCACA[G>A]GCTGGCTTATTAGCTGTAATGGCCCAGATGGGTTGTTACGTCCCTGCTGAAGTGTGCAGG-3'